The following is an entry in ClinVar:

ClinVar aggregate classification (germline): Conflicting classifications of pathogenicity. Review status: criteria provided, conflicting classifications (1 of 4 stars). 4 submissions from 4 submitters: Uncertain significance (1); Likely benign (2). 1 of the submissions does not count toward it. Last evaluated 2026-01-27.

Conditions:
DOK7-related disorder. Also called: DOK7-related condition.
Congenital myasthenic syndrome 10. Also called: Myasthenia, limb-girdle, familial. Identifiers: Orphanet 590, MedGen C1850792, MONDO:0009690, OMIM 254300.
Fetal akinesia deformation sequence 1 (FADS1). Also called: Fetal akinesia sequence; Pena-Shokeir syndrome type I. Identifiers: Orphanet 994, MedGen C1276035, MONDO:0100101, OMIM 208150, HP:0001989.

Allele frequency attached by ClinVar (database versions not stated): 1000 Genomes Project 30x 0.00016; ESP Exome Variant Server 0.00016; 1000 Genomes Project 0.00020; gnomAD 0.00021 and 0.00026; TOPMed 0.00029; gnomAD exomes 0.00047; ExAC 0.00063.
gnomAD v4.1: 606 of 1,565,108 alleles (0.039%); highest among the groups gnomAD compares: Middle Eastern, 0.05%; no homozygotes.

Submissions (4):

Labcorp Genetics (formerly Invitae), Labcorp
Classification: Likely benign for Congenital myasthenic syndrome 10; Fetal akinesia deformation sequence 1. Last evaluated: 2026-01-27. Review status: criteria provided, single submitter. Criteria: Invitae Variant Classification Sherloc (09022015). Collection method: clinical testing. Allele origin: germline.

CeGaT Center for Human Genetics Tuebingen
Classification: Uncertain significance. Last evaluated: 2025-03-01. Review status: criteria provided, single submitter. Criteria: CeGaT Center For Human Genetics Tuebingen Variant Classification Criteria Version 2. Collection method: clinical testing. Allele origin: germline. Affected: yes. Observed: 1 variant allele.
Comment: DOK7: PM2

GeneDx
Classification: Likely benign. Last evaluated: 2020-01-21. Review status: criteria provided, single submitter. Criteria: GeneDx Variant Classification Process June 2021. Collection method: clinical testing. Allele origin: germline. Affected: yes.

PreventionGenetics, part of Exact Sciences
Classification: Likely benign for DOK7-related condition. Last evaluated: 2023-03-19. Review status: no assertion criteria provided. Collection method: clinical testing. Allele origin: germline. Not counted in ClinVar's aggregate classification.
Comment: This variant is classified as likely benign based on ACMG/AMP sequence variant interpretation guidelines (Richards et al. 2015 PMID: 25741868, with internal and published modifications).

NM_173660.5(DOK7):c.665C>T (p.Pro222Leu)

Gene: DOK7 (docking protein 7; plus strand). Cytogenetic location: 4p16.3.
Variant type: single nucleotide variant.
Coding change: c.665C>T on transcript NM_173660.5 (MANE Select); coding-DNA position 665, C replaced by T.
Protein change: p.Pro222Leu; replaces proline 222 with leucine.
Molecular consequence: missense variant. On other transcripts: synonymous variant (1), 5 prime UTR variant (1).
Genome position (GRCh38, 1-based): chr4:3,489,689, C>T. VCF-style: chr4-3489689-C-T. GRCh37 (hg19) VCF-style: chr4-3491416-C-T.
Other names: c.654C>T, p.Pro218= (NM_001164673.2); c.-266C>T (NM_001256896.2); c.665C>T, p.Pro222Leu (NM_001301071.2); c.233C>T, p.Pro78Leu (NM_001363811.2); short protein forms P222L, P78L.
Identifiers: ClinVar variation 978492 (VCV000978492.22), dbSNP rs141141719, ClinGen allele CA2829140.